The following is an entry in ClinVar:

ClinVar aggregate classification (germline): Uncertain significance (1 of 4 stars; one submission).

Submission:

Labcorp Genetics (formerly Invitae), Labcorp
Classification: Uncertain significance. Last evaluated: 2024-04-07. Review status: criteria provided, single submitter. Criteria: Invitae Variant Classification Sherloc (09022015). Collection method: clinical testing. Allele origin: germline.
Comment: This sequence change creates a premature translational stop signal (p.Glu661Valfs*40) in the COMP gene. It is expected to result in an absent or disrupted protein product. However, the current clinical and genetic evidence is not sufficient to establish whether loss-of-function variants in COMP cause disease. This variant is present in population databases (rs767395029, gnomAD no frequency). This variant has not been reported in the literature in individuals affected with COMP-related conditions. In summary, the available evidence is currently insufficient to determine the role of this variant in disease. Therefore, it has been classified as a Variant of Uncertain Significance.

NM_000095.3(COMP):c.1982_1983del (p.Glu661fs)

Gene: COMP (cartilage oligomeric matrix protein; minus strand). Cytogenetic location: 19p13.11.
Variant type: Microsatellite.
Coding change: c.1982_1983del on transcript NM_000095.3 (MANE Select); coding-DNA positions 1982 to 1983, 2 bases deleted (AG; older notation c.1982_1983delAG).
Protein change: p.Glu661fs; shifts the reading frame from glutamic acid 661.
Molecular consequence: frameshift variant.
Genome position (GRCh38, 1-based): chr19:18,784,295-18,784,296, CT deleted on the plus strand (AG on the coding strand, the reverse complement: COMP is on the minus strand); deleting any 2 consecutive bases within chr19:18,784,295-18,784,298 gives the same sequence; the c. name uses the placement nearest the transcript's 3' end. VCF-style (leftmost placement, unchanged base first): chr19-18784294-ACT-A. GRCh37 (hg19) VCF-style: chr19-18895104-ACT-A.
Other names: short protein forms E661fs.
Identifiers: ClinVar variation 3023317 (VCV003023317.3), dbSNP rs767395029, ClinGen allele CA306252997.
Genomic context (GRCh38, chr19:18,784,294, plus strand): 5'-AGGACTTCTTGTCCTTCCAACCCACGTTTCGCGGGTCCTTCCACAGCAGCCGCACCTGGG[ACT>A]CTGTGTCTCCTGTATGCCACAGAGCGTTCCGCAGCTGTTCCCCGGGGCCTGTGGAAGACT-3'